The following is an entry in ClinVar:

NM_018699.4(PRDM5):c.178-7G>A

Gene: PRDM5 (PR/SET domain 5; minus strand). Cytogenetic location: 4q27.
Variant type: single nucleotide variant.
Coding change: c.178-7G>A on transcript NM_018699.4 (MANE Select); 7 bases into the intron before coding-DNA position 178, G replaced by A.
Molecular consequence: intron variant.
Genome position (GRCh38, 1-based): chr4:120,853,547, C>T on the plus strand (G>A on the coding strand, the complement: PRDM5 is on the minus strand). VCF-style: chr4-120853547-C-T. GRCh37 (hg19) VCF-style: chr4-121774702-C-T.
Other names: c.178-7G>A (NM_001300824.2, NM_001379106.1, NM_001300823.2 and 1 more transcripts).
Identifiers: ClinVar variation 3046766 (VCV003046766.4), dbSNP rs994966871, ClinGen allele CA105125613.

ClinVar aggregate classification (germline): Likely benign. Review status: criteria provided, multiple submitters, no conflicts (2 of 4 stars). 3 submissions from 3 submitters: Likely benign (2). 1 of the submissions does not count toward it. Last evaluated 2026-03-27.

Conditions:
PRDM5-related disorder. Also called: PRDM5-related condition.

Allele frequency attached by ClinVar (database versions not stated): gnomAD exomes 0.00001.

Submissions (3):

Women's Health and Genetics/Laboratory Corporation of America, LabCorp
Classification: Likely benign. Last evaluated: 2026-03-27. Review status: criteria provided, single submitter. Criteria: LabCorp Variant Classification Summary - May 2015. Collection method: clinical testing. Allele origin: germline.

Labcorp Genetics (formerly Invitae), Labcorp
Classification: Likely benign. Last evaluated: 2025-11-01. Review status: criteria provided, single submitter. Criteria: Invitae Variant Classification Sherloc (09022015). Collection method: clinical testing. Allele origin: germline.

PreventionGenetics, part of Exact Sciences
Classification: Likely benign for PRDM5-related condition. Last evaluated: 2023-11-30. Review status: no assertion criteria provided. Collection method: clinical testing. Allele origin: germline. Not counted in ClinVar's aggregate classification.
Comment: This variant is classified as likely benign based on ACMG/AMP sequence variant interpretation guidelines (Richards et al. 2015 PMID: 25741868, with internal and published modifications).